The following is an entry in ClinVar:

NM_016356.5(DCDC2):c.866C>T (p.Thr289Met)

Gene: DCDC2 (doublecortin domain containing 2; minus strand). Cytogenetic location: 6p22.3.
Variant type: single nucleotide variant.
Coding change: c.866C>T on transcript NM_016356.5 (MANE Select); coding-DNA position 866, C replaced by T.
Protein change: p.Thr289Met; replaces threonine 289 with methionine.
Molecular consequence: missense variant.
Genome position (GRCh38, 1-based): chr6:24,278,105, G>A on the plus strand (C>T on the coding strand, the complement: DCDC2 is on the minus strand). VCF-style: chr6-24278105-G-A. GRCh37 (hg19) VCF-style: chr6-24278333-G-A.
Other names: c.866C>T, p.Thr289Met (NM_001195610.2); short protein forms T289M.
Identifiers: ClinVar variation 1988817 (VCV001988817.4), dbSNP rs746503285, ClinGen allele CA3654623.

ClinVar aggregate classification (germline): Uncertain significance (1 of 4 stars; one submission).

Conditions:
Autosomal recessive nonsyndromic hearing loss 66 (DFNB66). Also called: Deafness, autosomal recessive 66. Identifiers: Orphanet 90636, MedGen C1857750, MONDO:0012442, OMIM 610212.
Isolated neonatal sclerosing cholangitis (NSC). Also called: Sclerosing cholangitis, neonatal. Identifiers: Orphanet 480556, MedGen C4479344, MONDO:0018816, OMIM 617394.

Allele frequency attached by ClinVar (database versions not stated): TOPMed below 0.00001; gnomAD 0.00001; gnomAD exomes 0.00002; ExAC 0.00003.
gnomAD v4.1: 27 of 1,613,366 alleles (0.0017%); highest among the groups gnomAD compares: South Asian, 0.014%; no homozygotes.

Submission:

Labcorp Genetics (formerly Invitae), Labcorp
Classification: Uncertain significance for Autosomal recessive nonsyndromic hearing loss 66; Isolated neonatal sclerosing cholangitis. Last evaluated: 2022-08-19. Review status: criteria provided, single submitter. Criteria: Invitae Variant Classification Sherloc (09022015). Collection method: clinical testing. Allele origin: germline.
Comment: In summary, the available evidence is currently insufficient to determine the role of this variant in disease. Therefore, it has been classified as a Variant of Uncertain Significance. Algorithms developed to predict the effect of missense changes on protein structure and function output the following: SIFT: "Tolerated"; PolyPhen-2: "Benign"; Align-GVGD: "Class C0". The methionine amino acid residue is found in multiple mammalian species, which suggests that this missense change does not adversely affect protein function. This variant has not been reported in the literature in individuals affected with DCDC2-related conditions. This variant is present in population databases (rs746503285, gnomAD 0.01%). This sequence change replaces threonine, which is neutral and polar, with methionine, which is neutral and non-polar, at codon 289 of the DCDC2 protein (p.Thr289Met).